The following is an entry in ClinVar:

NM_203290.4(POLR1C):c.534G>C (p.Leu178=)

Gene: POLR1C (RNA polymerase I and III subunit C; plus strand). Cytogenetic location: 6p21.1.
Variant type: single nucleotide variant.
Coding change: c.534G>C on transcript NM_203290.4 (MANE Select); coding-DNA position 534, G replaced by C.
Protein change: p.Leu178=; no amino-acid change (leucine 178 retained).
Molecular consequence: synonymous variant.
Genome position (GRCh38, 1-based): chr6:43,520,306, G>C. VCF-style: chr6-43520306-G-C. GRCh37 (hg19) VCF-style: chr6-43488044-G-C.
Other names: c.534G>C (NM_203290.2); c.534G>C, p.Leu178= (NM_001318876.2, NM_001363658.2).
Identifiers: ClinVar variation 1913889 (VCV001913889.6), dbSNP rs1202078132, ClinGen allele CA450384006.

ClinVar aggregate classification (germline): Conflicting classifications of pathogenicity. Review status: criteria provided, conflicting classifications (1 of 4 stars). 2 submissions from 2 submitters: Uncertain significance (1); Likely benign (1). Last evaluated 2025-11-06.

Allele frequency attached by ClinVar (database versions not stated): gnomAD 0.00001; TOPMed 0.00001.
gnomAD v4.1: 9 of 1,612,902 alleles (0.00056%); highest among the groups gnomAD compares: Admixed American, 0.013%; no homozygotes.

Submissions (2):

Labcorp Genetics (formerly Invitae), Labcorp
Classification: Likely benign. Last evaluated: 2025-11-06. Review status: criteria provided, single submitter. Criteria: Invitae Variant Classification Sherloc (09022015). Collection method: clinical testing. Allele origin: germline.

GeneDx
Classification: Uncertain significance. Last evaluated: 2023-05-12. Review status: criteria provided, single submitter. Criteria: GeneDx Variant Classification Process June 2021. Collection method: clinical testing. Allele origin: germline. Affected: yes.
Comment: In silico analysis supports that this variant does not alter splicing; Has not been previously published as pathogenic or benign to our knowledge